The following is an entry in ClinVar:

ClinVar aggregate classification (germline): Uncertain significance (1 of 4 stars; one submission).

gnomAD v4.1: 1 of 1,614,252 alleles (0.000062%); highest among the groups gnomAD compares: Non-Finnish European, 0.000085%; no homozygotes.

Submission:

Ambry Genetics
Classification: Uncertain significance. Last evaluated: 2026-08-02. Review status: criteria provided, single submitter. Criteria: Ambry Variant Classification Scheme 2023. Collection method: clinical testing. Allele origin: germline.
Comment: The p.E1649D variant (also known as c.4947A>C), located in coding exon 43 of the KIF1B gene, results from an A to C substitution at nucleotide position 4947. The glutamic acid at codon 1649 is replaced by aspartic acid, an amino acid with highly similar properties. This amino acid position is conserved. In addition, the in silico prediction for this alteration is inconclusive. Based on the available evidence, the clinical significance of this variant remains unclear.

NM_001365951.3(KIF1B):c.5085A>C (p.Glu1695Asp)

Gene: KIF1B (kinesin family member 1B; plus strand). Cytogenetic location: 1p36.22.
Variant type: single nucleotide variant.
Coding change: c.5085A>C on transcript NM_001365951.3 (MANE Select); coding-DNA position 5085, A replaced by C.
Protein change: p.Glu1695Asp; replaces glutamic acid 1695 with aspartic acid.
Molecular consequence: missense variant.
Genome position (GRCh38, 1-based): chr1:10,374,454, A>C. VCF-style: chr1-10374454-A-C. GRCh37 (hg19) VCF-style: chr1-10434512-A-C.
Other names: c.5085A>C, p.Glu1695Asp (NM_001365952.1); c.4947A>C, p.Glu1649Asp (NM_015074.3); short protein forms E1649D, E1695D.
Identifiers: ClinVar variation 5023207 (VCV005023207.1).